The following is an entry in ClinVar:

ClinVar aggregate classification (germline): Pathogenic/Likely pathogenic. Review status: criteria provided, multiple submitters, no conflicts (2 of 4 stars). 2 submissions from 2 submitters: Pathogenic (1); Likely pathogenic (1). Last evaluated 2023-08-16.

Conditions:
Dubin-Johnson syndrome (DJS). Also called: HYPERBILIRUBINEMIA, DUBIN-JOHNSON TYPE; Hyperbilirubinemia type 2; Jaundice, Chronic Idiopathic. Identifiers: Orphanet 234, MedGen C0022350, MONDO:0009380, OMIM 237500.

Submissions (2):

Labcorp Genetics (formerly Invitae), Labcorp
Classification: Likely pathogenic. Last evaluated: 2023-08-16. Review status: criteria provided, single submitter. Criteria: Invitae Variant Classification Sherloc (09022015). Collection method: clinical testing. Allele origin: germline.
Comment: Algorithms developed to predict the effect of sequence changes on RNA splicing suggest that this variant may disrupt the consensus splice site. In summary, the currently available evidence indicates that the variant is pathogenic, but additional data are needed to prove that conclusively. Therefore, this variant has been classified as Likely Pathogenic. Disruption of this splice site has been observed in individual(s) with clinical features of Dubin-Johnson syndrome (PMID: 31450232). This variant is not present in population databases (gnomAD no frequency). This sequence change affects a splice site in intron 6 of the ABCC2 gene. It is expected to disrupt RNA splicing. Variants that disrupt the donor or acceptor splice site typically lead to a loss of protein function (PMID: 16199547), and loss-of-function variants in ABCC2 are known to be pathogenic (PMID: 9185779, 16549534, 16952291).

Juno Genomics, Hangzhou Juno Genomics, Inc
Classification: Pathogenic for Dubin-Johnson syndrome. Review status: criteria provided, single submitter. Criteria: ACMG Guidelines, 2015. Collection method: clinical testing. Allele origin: germline.
Comment: Absent from controls (or at extremely low frequency if recessive) in Genome Aggregation Database.;Null variant in a gene where loss of function (LOF) is a known mechanism of disease.;For recessive disorders, detected in trans with a pathogenic variant.

Literature cited by the submitters: PubMed 31450232 (cited by Labcorp Genetics (formerly Invitae), Labcorp); PubMed 16199547 (cited by Labcorp Genetics (formerly Invitae), Labcorp); PubMed 9185779 (cited by Labcorp Genetics (formerly Invitae), Labcorp); PubMed 16549534 (cited by Labcorp Genetics (formerly Invitae), Labcorp); PubMed 16952291 (cited by Labcorp Genetics (formerly Invitae), Labcorp).

NM_000392.5(ABCC2):c.632+2_632+5del

Gene: ABCC2 (ATP binding cassette subfamily C member 2; plus strand). Cytogenetic location: 10q24.2.
Variant type: Deletion.
Coding change: c.632+2_632+5del on transcript NM_000392.5 (MANE Select); the canonical splice donor site of the intron after coding-DNA position 632 through 5 bases into the intron after coding-DNA position 632, 4 bases deleted (TAGG; older notation c.632+2_632+5delTAGG).
Molecular consequence: splice donor variant.
Genome position (GRCh38, 1-based): chr10:99,794,470-99,794,473, TAGG deleted; deleting any 4 consecutive bases within chr10:99,794,467-99,794,473 gives the same sequence; the c. name uses the placement nearest the transcript's 3' end. VCF-style (leftmost placement, unchanged base first): chr10-99794466-CAGGT-C. GRCh37 (hg19) VCF-style: chr10-101554223-CAGGT-C.
Identifiers: ClinVar variation 2972668 (VCV002972668.5), dbSNP rs2492846710, ClinGen allele CA2610496613.
Genomic context (GRCh38, chr10:99,794,466, plus strand): 5'-CTTTCAGAATCCATCATCCATAGCTTCATTCCTGAGTAGCATTACCTACAGCTGGTATGA[CAGGT>C]AGGAAAGCCTGGAGTATGGATTGGCTGTATCCTTACTCTCTCACTCCTCTGAAAGTGTCA-3'